The following is an entry in ClinVar:

NM_172364.5(CACNA2D4):c.665A>G (p.Asn222Ser)

Gene: CACNA2D4 (calcium voltage-gated channel auxiliary subunit alpha2delta 4; minus strand). Cytogenetic location: 12p13.33.
Variant type: single nucleotide variant.
Coding change: c.665A>G on transcript NM_172364.5 (MANE Select); coding-DNA position 665, A replaced by G.
Protein change: p.Asn222Ser; replaces asparagine 222 with serine.
Molecular consequence: missense variant.
Genome position (GRCh38, 1-based): chr12:1,907,556, T>C on the plus strand (A>G on the coding strand, the complement: CACNA2D4 is on the minus strand). VCF-style: chr12-1907556-T-C. GRCh37 (hg19) VCF-style: chr12-2016722-T-C.
Other names: short protein forms N222S.
Identifiers: ClinVar variation 2814847 (VCV002814847.3), dbSNP rs774888697, ClinGen allele CA6387442.

ClinVar aggregate classification (germline): Uncertain significance (1 of 4 stars; one submission).

Allele frequency attached by ClinVar (database versions not stated): gnomAD exomes below 0.00001.
gnomAD v4.1: 1 of 1,613,060 alleles (0.000062%); highest among the groups gnomAD compares: Non-Finnish European, 0.000085%; no homozygotes.

Submission:

Labcorp Genetics (formerly Invitae), Labcorp
Classification: Uncertain significance. Last evaluated: 2023-06-10. Review status: criteria provided, single submitter. Criteria: Invitae Variant Classification Sherloc (09022015). Collection method: clinical testing. Allele origin: germline.
Comment: In summary, the available evidence is currently insufficient to determine the role of this variant in disease. Therefore, it has been classified as a Variant of Uncertain Significance. An algorithm developed to predict the effect of missense changes on protein structure and function (PolyPhen-2) suggests that this variant is likely to be disruptive. This variant has not been reported in the literature in individuals affected with CACNA2D4-related conditions. This variant is present in population databases (rs774888697, gnomAD 0.0009%). This sequence change replaces asparagine, which is neutral and polar, with serine, which is neutral and polar, at codon 222 of the CACNA2D4 protein (p.Asn222Ser).